The following is an entry in ClinVar:

NM_000543.5(SMPD1):c.192_193del (p.Gln67fs)

Gene: SMPD1 (sphingomyelin phosphodiesterase 1; plus strand). Cytogenetic location: 11p15.4.
Variant type: Deletion.
Coding change: c.192_193del on transcript NM_000543.5 (MANE Select); coding-DNA positions 192 to 193, 2 bases deleted (TT; older notation c.192_193delTT).
Protein change: p.Gln67fs; shifts the reading frame from glutamine 67.
Molecular consequence: frameshift variant. On other transcripts: 5 prime UTR variant (1), non-coding transcript variant (2).
Genome position (GRCh38, 1-based): chr11:6,390,790-6,390,791, TT deleted; deleting any 2 consecutive bases within chr11:6,390,789-6,390,791 gives the same sequence; the c. name uses the placement nearest the transcript's 3' end. VCF-style (leftmost placement, unchanged base first): chr11-6390788-CTT-C. GRCh37 (hg19) VCF-style: chr11-6412018-CTT-C.
Other names: c.192_193del, p.Gln67fs (NM_001007593.3, NM_001318087.2, NM_001365135.2); c.-770_-769del (NM_001318088.2); short protein forms Q67fs.
Identifiers: ClinVar variation 5014845 (VCV005014845.1).

ClinVar aggregate classification (germline): Pathogenic (1 of 4 stars; one submission).

Conditions:
Acid sphingomyelinase deficiency. Identifiers: Orphanet 618899, MedGen C5243927, MONDO:0100464.

Submission:

Myriad Genetics, Inc.
Classification: Pathogenic for Acid sphingomyelinase deficiency. Last evaluated: 2025-08-09. Review status: criteria provided, single submitter. Criteria: Myriad Autosomal Dominant, Autosomal Recessive and X-Linked Classification Criteria (2023). Collection method: clinical testing. Allele origin: unknown.
Comment: NM_000543.4(SMPD1):c.192_193delTT(Q67Rfs*74) is expected to be pathogenic in the context of Niemann-Pick disease, SMPD1-related. This variant is predicted to lead to an abnormal or absent protein product due to the creation of a premature termination codon in SMPD1, a gene where loss-of-function variants are known to be pathogenic. Please note: this variant was assessed in the context of healthy population screening.